The following is an entry in ClinVar:

NM_015450.3(POT1):c.1228G>C (p.Asp410His)

Gene: POT1 (protection of telomeres 1; minus strand). Cytogenetic location: 7q31.33.
Variant type: single nucleotide variant.
Coding change: c.1228G>C on transcript NM_015450.3 (MANE Select); coding-DNA position 1228, G replaced by C.
Protein change: p.Asp410His; replaces aspartic acid 410 with histidine.
Molecular consequence: missense variant. On other transcripts: non-coding transcript variant (3).
Genome position (GRCh38, 1-based): chr7:124,841,114, C>G on the plus strand (G>C on the coding strand, the complement: POT1 is on the minus strand). VCF-style: chr7-124841114-C-G. GRCh37 (hg19) VCF-style: chr7-124481168-C-G.
Other names: c.835G>C, p.Asp279His (NM_001042594.2); short protein forms D410H, D279H.
Identifiers: ClinVar variation 436388 (VCV000436388.33), dbSNP rs79314063, ClinGen allele CA4465182.

ClinVar aggregate classification (germline): Conflicting classifications of pathogenicity. Review status: criteria provided, conflicting classifications (1 of 4 stars). 9 submissions from 9 submitters: Uncertain significance (1); Benign (3); Likely benign (5). Last evaluated 2026-03-11.

Conditions:
Tumor predisposition syndrome 3 (TPDS3). Also called: Melanoma, cutaneous malignant, susceptibility to, 10; LONG TELOMERE SYNDROME, POT1-RELATED; POT1 Tumor Predisposition; Glioma susceptibility 9. Identifiers: Orphanet 618, MedGen C4014476, MONDO:0014368, OMIM 615848.
Hereditary cancer-predisposing syndrome. Also called: Hereditary neoplastic syndrome; Tumor predisposition; Hereditary Cancer Syndrome; Neoplastic Syndromes, Hereditary. Identifiers: Orphanet 140162, MedGen C0027672, MeSH D009386, MONDO:0015356.

Allele frequency attached by ClinVar (database versions not stated): gnomAD 0.00022 and 0.00032; gnomAD exomes 0.00023 and 0.00057; TOPMed 0.00043; ExAC 0.00051; 1000 Genomes Project 0.00120; 1000 Genomes Project 30x 0.00172.
gnomAD v4.1: 400 of 1,612,876 alleles (0.025%); highest among the groups gnomAD compares: East Asian, 0.75%; 4 homozygotes.

Submissions (9):

Dasa
Classification: Likely benign. Last evaluated: 2026-03-11. Review status: criteria provided, single submitter. Criteria: DASA Assertion Criteria. Collection method: clinical testing. Allele origin: germline.
Comment: NM_015450.3(POT1):c.1228G>C (p.Asp410His) is a missense variant that results in the substitution of aspartic acid with histidine. Multiple computational predictions suggest no deleterious effect on the gene or gene product. The variant is present at low frequency in population datasets. Based on the available data, this variant is classified as likely benign.

Labcorp Genetics (formerly Invitae), Labcorp
Classification: Benign for Tumor predisposition syndrome 3. Last evaluated: 2026-02-03. Review status: criteria provided, single submitter. Criteria: Invitae Variant Classification Sherloc (09022015). Collection method: clinical testing. Allele origin: germline.

Quest Diagnostics Nichols Institute San Juan Capistrano
Classification: Benign. Last evaluated: 2025-07-05. Review status: criteria provided, single submitter. Criteria: Quest Diagnostics criteria. Collection method: clinical testing. Allele origin: unknown.

Center for Genomic Medicine, Rigshospitalet, Copenhagen University Hospital
Classification: Uncertain significance. Last evaluated: 2025-03-04. Review status: criteria provided, single submitter. Criteria: ACMG Guidelines, 2015. Collection method: clinical testing. Allele origin: germline.

Blueprint Genetics
Classification: Likely benign. Last evaluated: 2024-07-16. Review status: criteria provided, single submitter. Criteria: ACMG Guidelines, 2015. Collection method: clinical testing. Allele origin: germline.

Sema4
Classification: Likely benign for Hereditary cancer-predisposing syndrome. Last evaluated: 2021-11-09. Review status: criteria provided, single submitter. Criteria: Sema4 Curation Guidelines. Collection method: curation. Allele origin: germline.

Genetic Services Laboratory, University of Chicago
Classification: Benign. Last evaluated: 2019-01-02. Review status: criteria provided, single submitter. Criteria: ACMG Guidelines, 2015. Collection method: clinical testing. Allele origin: germline. Affected: no.

Ambry Genetics
Classification: Likely benign for Hereditary cancer-predisposing syndrome. Last evaluated: 2018-12-27. Review status: criteria provided, single submitter. Criteria: Ambry Variant Classification Scheme 2023. Collection method: clinical testing. Allele origin: germline.

GeneDx
Classification: Likely benign. Last evaluated: 2018-02-01. Review status: criteria provided, single submitter. Criteria: GeneDx Variant Classification (06012015). Collection method: clinical testing. Allele origin: germline. Affected: yes.
Comment: This variant is considered likely benign or benign based on one or more of the following criteria: it is a conservative change, it occurs at a poorly conserved position in the protein, it is predicted to be benign by multiple in silico algorithms, and/or has population frequency not consistent with disease.

Literature cited by the submitters: PubMed 33941849 (cited by Quest Diagnostics Nichols Institute San Juan Capistrano).